The following is an entry in ClinVar:

NM_144687.4(NLRP12):c.13G>A (p.Ala5Thr)

Gene: NLRP12 (NLR family pyrin domain containing 12; minus strand). Cytogenetic location: 19q13.42.
Variant type: single nucleotide variant.
Coding change: c.13G>A on transcript NM_144687.4 (MANE Select); coding-DNA position 13, G replaced by A.
Protein change: p.Ala5Thr; replaces alanine 5 with threonine.
Molecular consequence: missense variant.
Genome position (GRCh38, 1-based): chr19:53,824,162, C>T on the plus strand (G>A on the coding strand, the complement: NLRP12 is on the minus strand). VCF-style: chr19-53824162-C-T. GRCh37 (hg19) VCF-style: chr19-54327416-C-T.
Other names: c.13G>A, p.Ala5Thr (NM_001277126.2, NM_001277129.1); short protein forms A5T.
Identifiers: ClinVar variation 852298 (VCV000852298.10), dbSNP rs374037208, ClinGen allele CA9639862.

ClinVar aggregate classification (germline): Uncertain significance. Review status: criteria provided, multiple submitters, no conflicts (2 of 4 stars). 2 submissions from 2 submitters: Uncertain significance (2). Last evaluated 2025-04-17.

Conditions:
Familial cold autoinflammatory syndrome 2 (FCAS2). Identifiers: Orphanet 247868, MedGen C2673198, MONDO:0012724, OMIM 611762.

Allele frequency attached by ClinVar (database versions not stated): ExAC 0.00001; gnomAD exomes 0.00001; gnomAD 0.00002; TOPMed 0.00003; ESP Exome Variant Server 0.00008.
gnomAD v4.1: 64 of 1,613,828 alleles (0.004%); highest among the groups gnomAD compares: Non-Finnish European, 0.0051%; no homozygotes.

Submissions (2):

Labcorp Genetics (formerly Invitae), Labcorp
Classification: Uncertain significance for Familial cold autoinflammatory syndrome 2. Last evaluated: 2025-04-17. Review status: criteria provided, single submitter. Criteria: Invitae Variant Classification Sherloc (09022015). Collection method: clinical testing. Allele origin: germline.
Comment: This sequence change replaces alanine, which is neutral and non-polar, with threonine, which is neutral and polar, at codon 5 of the NLRP12 protein (p.Ala5Thr). This variant is present in population databases (rs374037208, gnomAD 0.0009%). This variant has not been reported in the literature in individuals affected with NLRP12-related conditions. ClinVar contains an entry for this variant (Variation ID: 852298). An algorithm developed to predict the effect of missense changes on protein structure and function outputs the following: PolyPhen-2: "Benign". The threonine amino acid residue is found in multiple mammalian species, which suggests that this missense change does not adversely affect protein function. In summary, the available evidence is currently insufficient to determine the role of this variant in disease. Therefore, it has been classified as a Variant of Uncertain Significance.

Blueprint Genetics
Classification: Uncertain significance. Last evaluated: 2024-09-11. Review status: criteria provided, single submitter. Criteria: ACMG Guidelines, 2015. Collection method: clinical testing. Allele origin: germline.